The following is an entry in ClinVar:

ClinVar aggregate classification (germline): Uncertain significance. Review status: criteria provided, multiple submitters, no conflicts (2 of 4 stars). 2 submissions from 2 submitters: Uncertain significance (2). Last evaluated 2026-07-01.

Conditions:
Hereditary cancer-predisposing syndrome. Also called: Hereditary Cancer Syndrome; Neoplastic Syndromes, Hereditary; Hereditary neoplastic syndrome; Tumor predisposition. Identifiers: Orphanet 140162, MedGen C0027672, MeSH D009386, MONDO:0015356.

Submissions (2):

Ambry Genetics
Classification: Uncertain significance for Hereditary cancer-predisposing syndrome. Last evaluated: 2026-07-01. Review status: criteria provided, single submitter. Criteria: Ambry Variant Classification Scheme 2023. Collection method: clinical testing. Allele origin: germline.
Comment: The p.P676T variant (also known as c.2026C>A), located in coding exon 14 of the MSH3 gene, results from a C to A substitution at nucleotide position 2026. The proline at codon 676 is replaced by threonine, an amino acid with highly similar properties. This amino acid position is conserved. In addition, the in silico prediction for this alteration is inconclusive. Based on the available evidence, the clinical significance of this variant remains unclear.

Labcorp Genetics (formerly Invitae), Labcorp
Classification: Uncertain significance. Last evaluated: 2021-01-11. Review status: criteria provided, single submitter. Criteria: Invitae Variant Classification Sherloc (09022015). Collection method: clinical testing. Allele origin: germline.
Comment: This sequence change replaces proline with threonine at codon 676 of the MSH3 protein (p.Pro676Thr). The proline residue is moderately conserved and there is a small physicochemical difference between proline and threonine. This variant is not present in population databases (ExAC no frequency). In summary, the available evidence is currently insufficient to determine the role of this variant in disease. Therefore, it has been classified as a Variant of Uncertain Significance. Algorithms developed to predict the effect of missense changes on protein structure and function are either unavailable or do not agree on the potential impact of this missense change (SIFT: "Tolerated"; PolyPhen-2: "Possibly Damaging"; Align-GVGD: "Class C0"). This variant has not been reported in the literature in individuals with MSH3-related conditions.

NM_002439.5(MSH3):c.2026C>A (p.Pro676Thr)

Gene: MSH3 (mutS homolog 3; plus strand). Cytogenetic location: 5q14.1.
Variant type: single nucleotide variant.
Coding change: c.2026C>A on transcript NM_002439.5 (MANE Select); coding-DNA position 2026, C replaced by A.
Protein change: p.Pro676Thr; replaces proline 676 with threonine.
Molecular consequence: missense variant.
Genome position (GRCh38, 1-based): chr5:80,768,062, C>A. VCF-style: chr5-80768062-C-A. GRCh37 (hg19) VCF-style: chr5-80063881-C-A.
Other names: c.2026C>A (NM_002439.3); short protein forms P676T.
Identifiers: ClinVar variation 1435529 (VCV001435529.9), dbSNP rs1744153840, ClinGen allele CA360277796.